The following is an entry in ClinVar:

NM_004725.4(BUB3):c.852C>G (p.Phe284Leu)

Gene: BUB3 (BUB3 mitotic checkpoint protein; plus strand). Cytogenetic location: 10q26.13.
Variant type: single nucleotide variant.
Coding change: c.852C>G on transcript NM_004725.4 (MANE Select); coding-DNA position 852, C replaced by G.
Protein change: p.Phe284Leu; replaces phenylalanine 284 with leucine.
Molecular consequence: missense variant.
Genome position (GRCh38, 1-based): chr10:123,162,709, C>G. VCF-style: chr10-123162709-C-G. GRCh37 (hg19) VCF-style: chr10-124922225-C-G.
Other names: c.852C>G, p.Phe284Leu (NM_001007793.3); short protein forms F284L.
Identifiers: ClinVar variation 1763738 (VCV001763738.2), dbSNP rs202197920, ClinGen allele CA378627057.

ClinVar aggregate classification (germline): Uncertain significance (1 of 4 stars; one submission).

Submission:

Ambry Genetics
Classification: Uncertain significance. Last evaluated: 2021-09-20. Review status: criteria provided, single submitter. Criteria: Ambry Variant Classification Scheme 2023. Collection method: clinical testing. Allele origin: germline.
Comment: The p.F284L variant (also known as c.852C>G), located in coding exon 6 of the BUB3 gene, results from a C to G substitution at nucleotide position 852. The phenylalanine at codon 284 is replaced by leucine, an amino acid with highly similar properties. This amino acid position is conserved. In addition, this alteration is predicted to be deleterious by in silico analysis. Since supporting evidence is limited at this time, the clinical significance of this alteration remains unclear.